The following is an entry in ClinVar:

NM_001854.4(COL11A1):c.1114C>A (p.Leu372Ile)

Gene: COL11A1 (collagen type XI alpha 1 chain; minus strand). Cytogenetic location: 1p21.1.
Variant type: single nucleotide variant.
Coding change: c.1114C>A on transcript NM_001854.4 (MANE Select); coding-DNA position 1114, C replaced by A.
Protein change: p.Leu372Ile; replaces leucine 372 with isoleucine.
Molecular consequence: missense variant. On other transcripts: non-coding transcript variant (1), intron variant (1).
Genome position (GRCh38, 1-based): chr1:103,022,873, G>T on the plus strand (C>A on the coding strand, the complement: COL11A1 is on the minus strand). VCF-style: chr1-103022873-G-T. GRCh37 (hg19) VCF-style: chr1-103488429-G-T.
Other names: c.1114C>A (NM_001854.3); c.1150C>A, p.Leu384Ile (NM_080629.3); c.898-1104C>A (NM_080630.4); c.997C>A, p.Leu333Ile (NM_001190709.2); short protein forms L372I, L384I, L333I.
Identifiers: ClinVar variation 3693093 (VCV003693093.3).

ClinVar aggregate classification (germline): Uncertain significance. Review status: criteria provided, multiple submitters, no conflicts (2 of 4 stars). 2 submissions from 2 submitters: Uncertain significance (2). Last evaluated 2025-08-03.

Conditions:
Inborn genetic diseases. Identifiers: MedGen C0950123, MeSH D030342.

gnomAD v4.1: 1 of 1,613,894 alleles (0.000062%); highest among the groups gnomAD compares: African/African-American, 0.0013%; no homozygotes.

Submissions (2):

Ambry Genetics
Classification: Uncertain significance for Inborn genetic diseases. Last evaluated: 2025-08-03. Review status: criteria provided, single submitter. Criteria: Ambry Variant Classification Scheme 2023. Collection method: clinical testing. Allele origin: germline.

Labcorp Genetics (formerly Invitae), Labcorp
Classification: Uncertain significance. Last evaluated: 2024-10-10. Review status: criteria provided, single submitter. Criteria: Invitae Variant Classification Sherloc (09022015). Collection method: clinical testing. Allele origin: germline.
Comment: This sequence change replaces leucine, which is neutral and non-polar, with isoleucine, which is neutral and non-polar, at codon 372 of the COL11A1 protein (p.Leu372Ile). This variant is not present in population databases (gnomAD no frequency). This variant has not been reported in the literature in individuals affected with COL11A1-related conditions. Invitae Evidence Modeling of protein sequence and biophysical properties (such as structural, functional, and spatial information, amino acid conservation, physicochemical variation, residue mobility, and thermodynamic stability) indicates that this missense variant is not expected to disrupt COL11A1 protein function with a negative predictive value of 95%. In summary, the available evidence is currently insufficient to determine the role of this variant in disease. Therefore, it has been classified as a Variant of Uncertain Significance.